The following is an entry in ClinVar:

ClinVar aggregate classification (germline): Conflicting classifications of pathogenicity. Review status: criteria provided, conflicting classifications (1 of 4 stars). 2 submissions from 2 submitters: Uncertain significance (1); Likely benign (1). Last evaluated 2026-06-26.

Conditions:
Brittle cornea syndrome 1 (BCS1). Also called: CORNEAL FRAGILITY, KERATOGLOBUS, BLUE SCLERAE, JOINT HYPEREXTENSIBILITY; EDS6B; FRAGILITAS OCULI WITH JOINT HYPEREXTENSIBILITY; Corneal fragility keratoglobus, blue sclerae AND joint hypermobility; DYSGENESIS MESODERMALIS CORNEAE ET SCLERAE. Identifiers: Orphanet 90354, MedGen C0268344, MONDO:0024543, OMIM 229200.
Cardiovascular phenotype. Identifiers: MedGen CN230736.

Allele frequency attached by ClinVar (database versions not stated): gnomAD 0.00003; gnomAD exomes 0.00010; TOPMed 0.00004.

Submissions (2):

Women's Health and Genetics/Laboratory Corporation of America, LabCorp
Classification: Uncertain significance. Last evaluated: 2026-06-26. Review status: criteria provided, single submitter. Criteria: LabCorp Variant Classification Summary - May 2015. Collection method: clinical testing. Allele origin: germline.

Ambry Genetics
Classification: Likely benign for Cardiovascular phenotype. Last evaluated: 2025-03-12. Review status: criteria provided, single submitter. Criteria: Ambry Variant Classification Scheme 2023. Collection method: clinical testing. Allele origin: germline.

NM_001367624.2(ZNF469):c.713C>T (p.Ala238Val)

Gene: ZNF469 (zinc finger protein 469; plus strand). Cytogenetic location: 16q24.2.
Variant type: single nucleotide variant.
Coding change: c.713C>T on transcript NM_001367624.2 (MANE Select); coding-DNA position 713, C replaced by T.
Protein change: p.Ala238Val; replaces alanine 238 with valine.
Molecular consequence: missense variant.
Genome position (GRCh38, 1-based): chr16:88,428,183, C>T. VCF-style: chr16-88428183-C-T. GRCh37 (hg19) VCF-style: chr16-88494591-C-T.
Other names: NM_001127464.1:c.713C>T; NM_001127464.2:c.713C>T; short protein forms A238V.
Identifiers: ClinVar variation 1757343 (VCV001757343.6), dbSNP rs896312497, ClinGen allele CA286371957.